The following is an entry in ClinVar:

ClinVar aggregate classification (germline): Uncertain significance (1 of 4 stars; one submission).

Submission:

Labcorp Genetics (formerly Invitae), Labcorp
Classification: Uncertain significance. Last evaluated: 2022-11-08. Review status: criteria provided, single submitter. Criteria: Invitae Variant Classification Sherloc (09022015). Collection method: clinical testing. Allele origin: germline.
Comment: In summary, the available evidence is currently insufficient to determine the role of this variant in disease. Therefore, it has been classified as a Variant of Uncertain Significance. Advanced modeling of protein sequence and biophysical properties (such as structural, functional, and spatial information, amino acid conservation, physicochemical variation, residue mobility, and thermodynamic stability) has been performed at Invitae for this missense variant, however the output from this modeling did not meet the statistical confidence thresholds required to predict the impact of this variant on DEAF1 protein function. This variant has not been reported in the literature in individuals affected with DEAF1-related conditions. This variant is not present in population databases (gnomAD no frequency). This sequence change replaces glutamic acid, which is acidic and polar, with glycine, which is neutral and non-polar, at codon 57 of the DEAF1 protein (p.Glu57Gly).

NM_021008.4(DEAF1):c.170A>G (p.Glu57Gly)

Gene: DEAF1 (DEAF1 transcription factor; minus strand). Cytogenetic location: 11p15.5.
Variant type: single nucleotide variant.
Coding change: c.170A>G on transcript NM_021008.4 (MANE Select); coding-DNA position 170, A replaced by G.
Protein change: p.Glu57Gly; replaces glutamic acid 57 with glycine.
Molecular consequence: missense variant. On other transcripts: intron variant (1).
Genome position (GRCh38, 1-based): chr11:694,878, T>C on the plus strand (A>G on the coding strand, the complement: DEAF1 is on the minus strand). VCF-style: chr11-694878-T-C. GRCh37 (hg19) VCF-style: chr11-694878-T-C.
Other names: c.170A>G, p.Glu57Gly (NM_001293634.2); c.-437-3280A>G (NM_001367390.1); short protein forms E57G.
Identifiers: ClinVar variation 1716805 (VCV001716805.5), dbSNP rs1265760528, ClinGen allele CA378939582.